The following is an entry in ClinVar:

ClinVar aggregate classification (germline): Uncertain significance (1 of 4 stars; one submission).

Allele frequency attached by ClinVar (database versions not stated): gnomAD exomes below 0.00001.
gnomAD v4.1: 2 of 1,550,450 alleles (0.00013%); highest among the groups gnomAD compares: Non-Finnish European, 0.00017%; no homozygotes.

Submission:

Labcorp Genetics (formerly Invitae), Labcorp
Classification: Uncertain significance. Last evaluated: 2020-11-11. Review status: criteria provided, single submitter. Criteria: Invitae Variant Classification Sherloc (09022015). Collection method: clinical testing. Allele origin: germline.
Comment: In summary, the available evidence is currently insufficient to determine the role of this variant in disease. Therefore, it has been classified as a Variant of Uncertain Significance. This sequence change replaces asparagine with histidine at codon 845 of the SI protein (p.Asn845His). The asparagine residue is weakly conserved and there is a small physicochemical difference between asparagine and histidine. This variant is not present in population databases (ExAC no frequency). This variant has not been reported in the literature in individuals with SI-related conditions. Advanced modeling of protein sequence and biophysical properties (such as structural, functional, and spatial information, amino acid conservation, physicochemical variation, residue mobility, and thermodynamic stability) performed at Invitae indicates that this missense variant is not expected to disrupt SI protein function.

NM_001041.4(SI):c.2533A>C (p.Asn845His)

Gene: SI (sucrase-isomaltase; minus strand). Cytogenetic location: 3q26.1.
Variant type: single nucleotide variant.
Coding change: c.2533A>C on transcript NM_001041.4 (MANE Select); coding-DNA position 2533, A replaced by C.
Protein change: p.Asn845His; replaces asparagine 845 with histidine.
Molecular consequence: missense variant.
Genome position (GRCh38, 1-based): chr3:165,033,427, T>G on the plus strand (A>C on the coding strand, the complement: SI is on the minus strand). VCF-style: chr3-165033427-T-G. GRCh37 (hg19) VCF-style: chr3-164751215-T-G.
Other names: short protein forms N845H.
Identifiers: ClinVar variation 1346156 (VCV001346156.8), dbSNP rs2108207041, ClinGen allele CA355046832.
Genomic context (GRCh38, chr3:165,033,427, plus strand): 5'-TAAGTATATGTACAAAGAGAGTGCTTACATTAGAAACTGAAAATGTATATAATATGTAGT[T>G]GCCATTTTGTATTGTATCTGAAATGAAAAATATCGTGATCAGTACAAAATGCAATGTTAA-3'
Protein context (NP_001032.2, residues 835-855): GETKDTIQNG[Asn845His]YILYTFSVSN